The following is an entry in ClinVar:

NM_030665.4(RAI1):c.4288A>G (p.Thr1430Ala)

Gene: RAI1 (retinoic acid induced 1; plus strand). Cytogenetic location: 17p11.2.
Variant type: single nucleotide variant.
Coding change: c.4288A>G on transcript NM_030665.4 (MANE Select); coding-DNA position 4288, A replaced by G.
Protein change: p.Thr1430Ala; replaces threonine 1430 with alanine.
Molecular consequence: missense variant.
Genome position (GRCh38, 1-based): chr17:17,797,236, A>G. VCF-style: chr17-17797236-A-G. GRCh37 (hg19) VCF-style: chr17-17700550-A-G.
Other names: short protein forms T1430A.
Identifiers: ClinVar variation 2906224 (VCV002906224.3), dbSNP rs1232093275, ClinGen allele CA398556313.

ClinVar aggregate classification (germline): Uncertain significance (1 of 4 stars; one submission).

Allele frequency attached by ClinVar (database versions not stated): gnomAD exomes below 0.00001; TOPMed below 0.00001; gnomAD 0.00001.
gnomAD v4.1: 4 of 1,613,434 alleles (0.00025%); highest among the groups gnomAD compares: East Asian, 0.0067%; no homozygotes.

Submission:

Labcorp Genetics (formerly Invitae), Labcorp
Classification: Uncertain significance. Last evaluated: 2024-07-19. Review status: criteria provided, single submitter. Criteria: Invitae Variant Classification Sherloc (09022015). Collection method: clinical testing. Allele origin: germline.
Comment: This sequence change replaces threonine, which is neutral and polar, with alanine, which is neutral and non-polar, at codon 1430 of the RAI1 protein (p.Thr1430Ala). This variant is present in population databases (no rsID available, gnomAD 0.02%). This variant has not been reported in the literature in individuals affected with RAI1-related conditions. Advanced modeling of protein sequence and biophysical properties (such as structural, functional, and spatial information, amino acid conservation, physicochemical variation, residue mobility, and thermodynamic stability) performed at Invitae indicates that this missense variant is not expected to disrupt RAI1 protein function with a negative predictive value of 80%. In summary, the available evidence is currently insufficient to determine the role of this variant in disease. Therefore, it has been classified as a Variant of Uncertain Significance.